The following is an entry in ClinVar:

NM_021224.6(ZNF462):c.1872_1875del (p.Phe625fs)

Gene: ZNF462 (zinc finger protein 462; plus strand). Cytogenetic location: 9q31.2.
Variant type: Microsatellite.
Coding change: c.1872_1875del on transcript NM_021224.6 (MANE Select); coding-DNA positions 1872 to 1875, 4 bases deleted (ATTC; older notation c.1872_1875delATTC).
Protein change: p.Phe625fs; shifts the reading frame from phenylalanine 625.
Molecular consequence: frameshift variant.
Genome position (GRCh38, 1-based): chr9:106,925,784-106,925,787, ATTC deleted; deleting any 4 consecutive bases within chr9:106,925,779-106,925,787 gives the same sequence; the c. name uses the placement nearest the transcript's 3' end. VCF-style (leftmost placement, unchanged base first): chr9-106925778-ACATT-A. GRCh37 (hg19) VCF-style: chr9-109688059-ACATT-A.
Other names: c.1872_1875del, p.Phe625fs (NM_001347997.2); short protein forms F625fs.
Identifiers: ClinVar variation 1076643 (VCV001076643.7), dbSNP rs2131462794, ClinGen allele CA2580616275.

ClinVar aggregate classification (germline): Pathogenic (1 of 4 stars; one submission).

Submission:

Labcorp Genetics (formerly Invitae), Labcorp
Classification: Pathogenic. Last evaluated: 2018-06-08. Review status: criteria provided, single submitter. Criteria: Invitae Variant Classification Sherloc (09022015). Collection method: clinical testing. Allele origin: germline.
Comment: For these reasons, this variant has been classified as Pathogenic. Loss-of-function variants in ZNF462 are known to be pathogenic (PMID: 28513610). This variant has not been reported in the literature in individuals with ZNF462-related disease. This variant is not present in population databases (ExAC no frequency). This sequence change creates a premature translational stop signal (p.Phe625Valfs*30) in the ZNF462 gene. It is expected to result in an absent or disrupted protein product.

Literature cited by the submitters: PubMed 28513610.